The following is an entry in ClinVar:

ClinVar aggregate classification (germline): Pathogenic (1 of 4 stars; one submission).

Conditions:
Autosomal recessive nonsyndromic hearing loss 12. Also called: DEAFNESS, AUTOSOMAL RECESSIVE 12. Identifiers: Orphanet 90636, MedGen C1832394, MONDO:0011067, OMIM 601386.

Submission:

Institute of Rare Diseases, West China Hospital, Sichuan University
Classification: Pathogenic for Autosomal recessive nonsyndromic hearing loss 12. Last evaluated: 2025-01-09. Review status: criteria provided, single submitter. Criteria: ClinGen HL ACMG Specifications v1. Collection method: research. Allele origin: germline. Affected: yes.
Comment: PVS1;PM3;PP1;PM2_Supporting

NM_022124.6(CDH23):c.5311del (p.Arg1771fs)

Gene: CDH23 (cadherin related 23; plus strand). Cytogenetic location: 10q22.1.
Variant type: Deletion.
Coding change: c.5311del on transcript NM_022124.6 (MANE Select); coding-DNA position 5311, one base deleted (C; older notation c.5311delC).
Protein change: p.Arg1771fs; shifts the reading frame from arginine 1771.
Molecular consequence: frameshift variant.
Genome position (GRCh38, 1-based): chr10:71,779,390, C deleted; the last of 2 consecutive C bases (chr10:71,779,389-71,779,390); deleting either gives the same sequence. VCF-style (leftmost placement, unchanged base first): chr10-71779388-AC-A. GRCh37 (hg19) VCF-style: chr10-73539145-AC-A.
Other names: short protein forms R1771fs.
Identifiers: ClinVar variation 3601422 (VCV003601422.1).